The following is an entry in ClinVar:

NM_000286.3(PEX12):c.106_107delinsAT (p.Ala36Ile)

Gene: PEX12 (peroxisomal biogenesis factor 12; minus strand). Cytogenetic location: 17q12.
Variant type: Indel.
Coding change: c.106_107delinsAT on transcript NM_000286.3 (MANE Select); coding-DNA positions 106 to 107, GC replaced by AT.
Protein change: p.Ala36Ile; replaces alanine 36 with isoleucine.
Molecular consequence: missense variant.
Genome position (GRCh38, 1-based): chr17:35,577,915-35,577,916, GC replaced by AT on the plus strand (GC replaced by AT on the coding strand, the reverse complement: PEX12 is on the minus strand). VCF-style: chr17-35577915-GC-AT. GRCh37 (hg19) VCF-style: chr17-33904934-GC-AT.
Other names: c.106_107delGCinsAT (NM_000286.3); short protein forms A36I.
Identifiers: ClinVar variation 2584880 (VCV002584880.1), dbSNP rs2509171422, ClinGen allele CA2582342164.

ClinVar aggregate classification (germline): Uncertain significance (1 of 4 stars; one submission).

Conditions:
Peroxisome biogenesis disorder type 3B. Identifiers: Orphanet 44, Orphanet 772, MedGen C3550693, MONDO:0009959, OMIM 266510.

Submission:

Neuberg Centre For Genomic Medicine, NCGM
Classification: Uncertain significance for Peroxisome biogenesis disorder type 3B. Review status: criteria provided, single submitter. Criteria: ACMG Guidelines, 2015. Collection method: clinical testing. Allele origin: germline. Inheritance: Autosomal recessive inheritance. Affected: yes.
Comment: The frameshift variant c.106_107delGCinsAT(p.Ala36Ile) in PEX12 gene has not been reported previously as a pathogenic variant nor as a benign variant, to our knowledge. The p.Ala36Ile variant is novel (not in any individuals) in gnomAD Exomes and 1000 Genomes. The amino acid Ala at position 36 is changed to a Val changing protein sequence and it might alter its composition and physico-chemical properties. This variant is predicted to cause loss of normal protein function. Loss of function variants have been previously reported to be disease causing. For these reasons, this variant has been classified as Uncertain Significance.